The following is an entry in ClinVar:

NM_001077418.3(TMEM231):c.279dup (p.Gly94fs)

Gene: TMEM231 (transmembrane protein 231; minus strand). Cytogenetic location: 16q23.1.
Variant type: Duplication.
Coding change: c.279dup on transcript NM_001077418.3 (MANE Select); coding-DNA position 279, one base duplicated (A; older notation c.279dupA).
Protein change: p.Gly94fs; shifts the reading frame from glycine 94.
Molecular consequence: frameshift variant. On other transcripts: non-coding transcript variant (1).
Genome position (GRCh38, 1-based): chr16:75,555,834, T duplicated on the plus strand (A on the coding strand, the reverse complement: TMEM231 is on the minus strand); the first of 2 consecutive T bases (chr16:75,555,834-75,555,835); duplicating either gives the same sequence. VCF-style (leftmost placement, unchanged base first): chr16-75555833-C-CT. GRCh37 (hg19) VCF-style: chr16-75589731-C-CT.
Other names: c.438dupA (NM_001077416.2); c.438dup, p.Gly147fs (NM_001077416.2); short protein forms G147fs, G94fs.
Identifiers: ClinVar variation 1722365 (VCV001722365.1), dbSNP rs2507347123, ClinGen allele CA496694786.

ClinVar aggregate classification (germline): Likely pathogenic (1 of 4 stars; one submission).

Conditions:
Joubert syndrome and related disorders. Identifiers: Orphanet 140874, MedGen C5679612, MONDO:0015369.

Submission:

Women's Health and Genetics/Laboratory Corporation of America, LabCorp
Classification: Likely pathogenic for Joubert syndrome and related disorders. Last evaluated: 2022-09-01. Review status: criteria provided, single submitter. Criteria: LabCorp Variant Classification Summary - May 2015. Collection method: clinical testing. Allele origin: germline.
Comment: Variant summary: TMEM231 c.438dupA (p.Gly147ArgfsX12) results in a premature termination codon, predicted to cause a truncation of the encoded protein or absence of the protein due to nonsense mediated decay, which are commonly known mechanisms for disease. Truncations downstream of this position have been classified as pathogenic by our laboratory. The variant was absent in 197958 control chromosomes (gnomAD). To our knowledge, no occurrence of c.438dupA in individuals affected with Joubert Syndrome And Related Disorders and no experimental evidence demonstrating its impact on protein function have been reported. No clinical diagnostic laboratories have submitted clinical-significance assessments for this variant to ClinVar after 2014. Based on the evidence outlined above, the variant was classified as likely pathogenic.